The following is an entry in ClinVar:

ClinVar aggregate classification (germline): Conflicting classifications of pathogenicity. Review status: criteria provided, conflicting classifications (1 of 4 stars). 2 submissions from 2 submitters: Uncertain significance (1); Likely benign (1). Last evaluated 2025-10-27.

Conditions:
Neutropenia, severe congenital, 2, autosomal dominant. Identifiers: Orphanet 486, MedGen C2751288, MONDO:0013139, OMIM 613107.

Allele frequency attached by ClinVar (database versions not stated): gnomAD exomes below 0.00001; gnomAD 0.00001; TOPMed 0.00001.

Submissions (2):

Ambry Genetics
Classification: Likely benign. Last evaluated: 2025-10-27. Review status: criteria provided, single submitter. Criteria: Ambry Variant Classification Scheme 2023. Collection method: clinical testing. Allele origin: germline.

Labcorp Genetics (formerly Invitae), Labcorp
Classification: Uncertain significance for Neutropenia, severe congenital, 2, autosomal dominant. Last evaluated: 2022-11-22. Review status: criteria provided, single submitter. Criteria: Invitae Variant Classification Sherloc (09022015). Collection method: clinical testing. Allele origin: germline.
Comment: This sequence change replaces methionine, which is neutral and non-polar, with valine, which is neutral and non-polar, at codon 105 of the GFI1 protein (p.Met105Val). This variant is not present in population databases (gnomAD no frequency). This variant has not been reported in the literature in individuals affected with GFI1-related conditions. ClinVar contains an entry for this variant (Variation ID: 1009841). Advanced modeling of protein sequence and biophysical properties (such as structural, functional, and spatial information, amino acid conservation, physicochemical variation, residue mobility, and thermodynamic stability) performed at Invitae indicates that this missense variant is not expected to disrupt GFI1 protein function. In summary, the available evidence is currently insufficient to determine the role of this variant in disease. Therefore, it has been classified as a Variant of Uncertain Significance.

NM_005263.5(GFI1):c.313A>G (p.Met105Val)

Gene: GFI1 (growth factor independent 1 transcriptional repressor; minus strand). Cytogenetic location: 1p22.1.
Variant type: single nucleotide variant.
Coding change: c.313A>G on transcript NM_005263.5 (MANE Select); coding-DNA position 313, A replaced by G.
Protein change: p.Met105Val; replaces methionine 105 with valine.
Molecular consequence: missense variant.
Genome position (GRCh38, 1-based): chr1:92,481,074, T>C on the plus strand (A>G on the coding strand, the complement: GFI1 is on the minus strand). VCF-style: chr1-92481074-T-C. GRCh37 (hg19) VCF-style: chr1-92946631-T-C.
Other names: c.313A>G, p.Met105Val (NM_001127215.3, NM_001127216.3); c.313A>G (NM_005263.3); short protein forms M105V.
Identifiers: ClinVar variation 1009841 (VCV001009841.9), dbSNP rs1290770390, ClinGen allele CA341150099.